The following is an entry in ClinVar:

NM_001365276.2(TNXB):c.10411G>T (p.Val3471Leu)

Gene: TNXB (tenascin XB; minus strand). Cytogenetic location: 6p21.33.
Variant type: single nucleotide variant.
Coding change: c.10411G>T on transcript NM_001365276.2 (MANE Select); coding-DNA position 10411, G replaced by T.
Protein change: p.Val3471Leu; replaces valine 3471 with leucine.
Molecular consequence: missense variant.
Genome position (GRCh38, 1-based): chr6:32,046,370, C>A on the plus strand (G>T on the coding strand, the complement: TNXB is on the minus strand). VCF-style: chr6-32046370-C-A. GRCh37 (hg19) VCF-style: chr6-32014147-C-A.
Other names: c.10405G>T, p.Val3469Leu (NM_019105.8); short protein forms V3469L, V3471L.
Identifiers: ClinVar variation 1773888 (VCV001773888.2), dbSNP rs1306291340, ClinGen allele CA363529103.

ClinVar aggregate classification (germline): Uncertain significance (1 of 4 stars; one submission).

Conditions:
Cardiovascular phenotype. Identifiers: MedGen CN230736.

Allele frequency attached by ClinVar (database versions not stated): gnomAD 0.00001; TOPMed 0.00001.
gnomAD v4.1: 3 of 1,598,968 alleles (0.00019%); highest among the groups gnomAD compares: Admixed American, 0.005%; no homozygotes.

Submission:

Ambry Genetics
Classification: Uncertain significance for Cardiovascular phenotype. Last evaluated: 2022-08-07. Review status: criteria provided, single submitter. Criteria: Ambry Variant Classification Scheme 2023. Collection method: clinical testing. Allele origin: germline.
Comment: The p.V3469L variant (also known as c.10405G>T), located in coding exon 30 of the TNXB gene, results from a G to T substitution at nucleotide position 10405. The valine at codon 3469 is replaced by leucine, an amino acid with highly similar properties. This amino acid position is conserved. In addition, this alteration is predicted to be tolerated by in silico analysis. Since supporting evidence is limited at this time, the clinical significance of this alteration remains unclear.